The following is an entry in ClinVar:

NM_001371986.1(UNC80):c.2014A>G (p.Ile672Val)

Gene: UNC80 (unc-80 homolog, NALCN channel complex subunit; plus strand). Cytogenetic location: 2q34.
Variant type: single nucleotide variant.
Coding change: c.2014A>G on transcript NM_001371986.1 (MANE Select); coding-DNA position 2014, A replaced by G.
Protein change: p.Ile672Val; replaces isoleucine 672 with valine.
Molecular consequence: missense variant.
Genome position (GRCh38, 1-based): chr2:209,820,362, A>G. VCF-style: chr2-209820362-A-G. GRCh37 (hg19) VCF-style: chr2-210685086-A-G.
Other names: c.2014A>G, p.Ile672Val (NM_032504.2, NM_182587.4); short protein forms I672V.
Identifiers: ClinVar variation 2047936 (VCV002047936.2), dbSNP rs1225552175, ClinGen allele CA350136302.

ClinVar aggregate classification (germline): Uncertain significance (1 of 4 stars; one submission).

Allele frequency attached by ClinVar (database versions not stated): gnomAD exomes below 0.00001.
gnomAD v4.1: 1 of 1,551,750 alleles (0.000064%); highest among the groups gnomAD compares: Admixed American, 0.002%; no homozygotes.

Submission:

Labcorp Genetics (formerly Invitae), Labcorp
Classification: Uncertain significance. Last evaluated: 2022-08-16. Review status: criteria provided, single submitter. Criteria: Invitae Variant Classification Sherloc (09022015). Collection method: clinical testing. Allele origin: germline.
Comment: In summary, the available evidence is currently insufficient to determine the role of this variant in disease. Therefore, it has been classified as a Variant of Uncertain Significance. Algorithms developed to predict the effect of missense changes on protein structure and function are either unavailable or do not agree on the potential impact of this missense change (SIFT: "Not Available"; PolyPhen-2: "Benign"; Align-GVGD: "Not Available"). This variant has not been reported in the literature in individuals affected with UNC80-related conditions. This variant is present in population databases (no rsID available, gnomAD 0.008%). This sequence change replaces isoleucine, which is neutral and non-polar, with valine, which is neutral and non-polar, at codon 672 of the UNC80 protein (p.Ile672Val).